The following is an entry in ClinVar:

NM_013275.6(ANKRD11):c.1789G>A (p.Glu597Lys)

Gene: ANKRD11 (ankyrin repeat domain 11; minus strand). Cytogenetic location: 16q24.3.
Variant type: single nucleotide variant.
Coding change: c.1789G>A on transcript NM_013275.6 (MANE Select); coding-DNA position 1789, G replaced by A.
Protein change: p.Glu597Lys; replaces glutamic acid 597 with lysine.
Molecular consequence: missense variant.
Genome position (GRCh38, 1-based): chr16:89,284,753, C>T on the plus strand (G>A on the coding strand, the complement: ANKRD11 is on the minus strand). VCF-style: chr16-89284753-C-T. GRCh37 (hg19) VCF-style: chr16-89351161-C-T.
Other names: c.1789G>A, p.Glu597Lys (NM_001256182.2, NM_001256183.2); short protein forms E597K.
Identifiers: ClinVar variation 4822138 (VCV004822138.4).
Genomic context (GRCh38, chr16:89,284,753, plus strand): 5'-CCTCCGCGCTGGACAGGAAGGGGCTCTTCTTCTCCGACAGGGAGGCTCGCTTCCTGTGCT[C>T]CTGCCTCTTCCTCACTGGCTTCAGCGATTCCACACTGGAGCCCTCAGAGGAGTAGTCAGA-3'
Protein context (NP_037407.4, residues 587-607): ESLKPVRKRQ[Glu597Lys]HRKRASLSEK

ClinVar aggregate classification (germline): Uncertain significance (1 of 4 stars; one submission).

Submission:

CeGaT Center for Human Genetics Tuebingen
Classification: Uncertain significance. Last evaluated: 2026-02-01. Review status: criteria provided, single submitter. Criteria: CeGaT Center For Human Genetics Tuebingen Variant Classification Criteria Version 2. Collection method: clinical testing. Allele origin: germline. Affected: yes. Observed: 1 variant allele.
Comment: ANKRD11: PM2, BP4